The following is an entry in ClinVar:

ClinVar aggregate classification (germline): Pathogenic (1 of 4 stars; one submission).

Conditions:
Mucopolysaccharidosis type 6 (MPS6). Also called: MPS 6; Maroteaux Lamy syndrome; MPS VI; N-ACETYLGALACTOSAMINE-4-SULFATASE DEFICIENCY; ARSB DEFICIENCY; ARYLSULFATASE B DEFICIENCY. Identifiers: Orphanet 583, MedGen C0026709, MONDO:0009661, OMIM 253200.

Allele frequency attached by ClinVar (database versions not stated): gnomAD exomes below 0.00001; TOPMed below 0.00001; ExAC 0.00001; ESP Exome Variant Server 0.00009.

Submission:

Labcorp Genetics (formerly Invitae), Labcorp
Classification: Pathogenic for Mucopolysaccharidosis type 6. Last evaluated: 2024-01-15. Review status: criteria provided, single submitter. Criteria: Invitae Variant Classification Sherloc (09022015). Collection method: clinical testing. Allele origin: germline.
Comment: This sequence change creates a premature translational stop signal (p.Trp57*) in the ARSB gene. It is expected to result in an absent or disrupted protein product. Loss-of-function variants in ARSB are known to be pathogenic (PMID: 17458871, 22133300). The frequency data for this variant in the population databases is considered unreliable, as metrics indicate poor data quality at this position in the gnomAD database. This variant has not been reported in the literature in individuals affected with ARSB-related conditions. ClinVar contains an entry for this variant (Variation ID: 1071218). For these reasons, this variant has been classified as Pathogenic.

Literature cited by the submitters: PubMed 17458871; PubMed 22133300.

NM_000046.5(ARSB):c.170G>A (p.Trp57Ter)

Genes: ARSB (arylsulfatase B; minus strand), LOC129994126 (ATAC-STARR-seq lymphoblastoid silent region 16127; plus strand). Cytogenetic location: 5q14.1.
Variant type: single nucleotide variant.
Coding change: c.170G>A on transcript NM_000046.5 (MANE Select); coding-DNA position 170, G replaced by A.
Protein change: p.Trp57Ter; replaces tryptophan 57 with a stop codon.
Molecular consequence: nonsense.
Genome position (GRCh38, 1-based): chr5:78,985,079, C>T on the plus strand (G>A on the coding strand, the complement: ARSB is on the minus strand). VCF-style: chr5-78985079-C-T. GRCh37 (hg19) VCF-style: chr5-78280902-C-T.
Other names: c.170G>A, p.Trp57Ter (NM_198709.3); short protein forms W57*.
Identifiers: ClinVar variation 1071218 (VCV001071218.7), dbSNP rs200712296, ClinGen allele CA3318347.